The following is an entry in ClinVar:

ClinVar aggregate classification (germline): Uncertain significance. Review status: criteria provided, multiple submitters, no conflicts (2 of 4 stars). 2 submissions from 2 submitters: Uncertain significance (2). Last evaluated 2025-04-17.

Submissions (2):

Labcorp Genetics (formerly Invitae), Labcorp
Classification: Uncertain significance. Last evaluated: 2025-04-17. Review status: criteria provided, single submitter. Criteria: Invitae Variant Classification Sherloc (09022015). Collection method: clinical testing. Allele origin: germline.
Comment: This variant, c.44_49dup, results in the insertion of 2 amino acid(s) of the CELSR2 protein (p.Pro15_Pro16dup), but otherwise preserves the integrity of the reading frame. This variant is present in population databases (rs144034706, gnomAD 0.03%). This variant has not been reported in the literature in individuals affected with CELSR2-related conditions. Experimental studies and prediction algorithms are not available or were not evaluated, and the functional significance of this variant is currently unknown. In summary, the available evidence is currently insufficient to determine the role of this variant in disease. Therefore, it has been classified as a Variant of Uncertain Significance.

Breakthrough Genomics
Classification: Uncertain significance. Review status: criteria provided, single submitter. Criteria: ACMG Guidelines, 2015. Collection method: not provided. Allele origin: germline. Inheritance: Unknown mechanism. Affected: yes.

NM_001408.3(CELSR2):c.35CGC[7] (p.Pro16_Leu17insProPro)

Gene: CELSR2 (cadherin EGF LAG seven-pass G-type receptor 2; plus strand). Cytogenetic location: 1p13.3.
Variant type: Microsatellite.
Coding change: c.35CGC[7] on transcript NM_001408.3 (MANE Select); seven copies in a row of the 3-base unit CGC starting at c.35; the reference has five copies in a row; two copies, 6 bases duplicated.
Protein change: p.Pro16_Leu17insProPro.
Molecular consequence: inframe insertion.
Genome position (GRCh38, 1-based): chr1:109,250,123-109,250,128, CGCCGC duplicated; duplicating any 6 consecutive bases within chr1:109,250,114-109,250,128 gives the same sequence; the position shown is the placement nearest the transcript's 3' end. VCF-style (leftmost placement, unchanged base first): chr1-109250113-A-ACGCCGC. GRCh37 (hg19) VCF-style: chr1-109792735-A-ACGCCGC.
Identifiers: ClinVar variation 2060173 (VCV002060173.5), dbSNP rs59201433, ClinGen allele CA986288.